The following is an entry in ClinVar:

ClinVar aggregate classification (germline): Likely pathogenic (1 of 4 stars; one submission).

Conditions:
Autosomal dominant Alport syndrome (ATS3A). Also called: ALPORT SYNDROME 3A, AUTOSOMAL DOMINANT; Alport syndrome dominant type; Renal failure and sensorineural hearing loss. Identifiers: Orphanet 63, Orphanet 88918, MedGen C5882663, MONDO:0007086, OMIM 104200.

Submission:

MVZ Medizinische Genetik Mainz
Classification: Likely pathogenic for Autosomal dominant Alport syndrome. Last evaluated: 2025-05-19. Review status: criteria provided, single submitter. Criteria: UK Practice Guidelines For Variant Classification V4 01 2020. Collection method: clinical testing. Allele origin: germline. Inheritance: Autosomal dominant inheritance. Observed: 1 variant allele.
Comment: ACMG Criteria: PM1_STR,PM2_SUP,PP3,PP4

NM_000091.5(COL4A3):c.3089G>A (p.Gly1030Glu)

Genes: MFF-DT (MFF divergent transcript; minus strand), COL4A3 (collagen type IV alpha 3 chain; plus strand). Cytogenetic location: 2q36.3.
Variant type: single nucleotide variant.
Coding change: c.3089G>A on transcript NM_000091.5 (MANE Select); coding-DNA position 3089, G replaced by A.
Protein change: p.Gly1030Glu; replaces glycine 1030 with glutamic acid.
Molecular consequence: missense variant.
Genome position (GRCh38, 1-based): chr2:227,290,765, G>A. VCF-style: chr2-227290765-G-A. GRCh37 (hg19) VCF-style: chr2-228155481-G-A.
Other names: short protein forms G1030E.
Identifiers: ClinVar variation 3907700 (VCV003907700.1).